The following is an entry in ClinVar:

NM_001987.5(ETV6):c.317CTC[1] (p.Pro107del)

Genes: ETV6 (ETS variant transcription factor 6; plus strand), LOC126861451 (BRD4-independent group 4 enhancer GRCh37_chr12:11991350-11992549; plus strand). Cytogenetic location: 12p13.2.
Variant type: Microsatellite.
Coding change: c.317CTC[1] on transcript NM_001987.5 (MANE Select); one copy of the 3-base unit CTC starting at c.317; the reference has two copies in a row; one copy, 3 bases deleted.
Protein change: p.Pro107del; deletes proline 107.
Molecular consequence: inframe indel (on NM_001987.4).
Genome position (GRCh38, 1-based): chr12:11,839,296-11,839,298, CTC deleted; deleting any 3 consecutive bases within chr12:11,839,293-11,839,298 gives the same sequence; the position shown is the placement nearest the transcript's 3' end. VCF-style (leftmost placement, unchanged base first): chr12-11839292-TCTC-T. GRCh37 (hg19) VCF-style: chr12-11992226-TCTC-T.
Other names: c.314CTC[1], p.Pro106del (NM_001413913.1); c.290CTC[1], p.Pro98del (NM_001413914.1); c.53CTC[1], p.Pro19del (NM_001413915.1); c.317CTC[1], p.Pro107del (NM_001413916.1, NM_001413917.1, NM_001413918.1); c.317_319CTC[1], p.Pro107del (NM_001987.4); c.320_322delCTC (NM_001987.4); short protein forms P107del, P19del, P106del, P98del.
Identifiers: ClinVar variation 4251450 (VCV004251450.1).

ClinVar aggregate classification (germline): Uncertain significance (1 of 4 stars; one submission).

Conditions:
Inborn genetic diseases. Identifiers: MedGen C0950123, MeSH D030342.

Submission:

Ambry Genetics
Classification: Uncertain significance for Inborn genetic diseases. Last evaluated: 2025-07-15. Review status: criteria provided, single submitter. Criteria: Ambry Variant Classification Scheme 2023. Collection method: clinical testing. Allele origin: germline.
Comment: The c.320_322delCTC variant (also known as p.P107del) is located in coding exon 3 of the ETV6 gene. This variant results from an in-frame CTC deletion at nucleotide positions 320 to 322. This results in the in-frame deletion of a proline at codon 107. This amino acid position is highly conserved in available vertebrate species. In addition, this variant is predicted to be deleterious by in silico analysis (Choi Y et al. PLoS ONE. 2012; 7(10):e46688). Based on the available evidence, the clinical significance of this variant remains unclear.